The following is an entry in ClinVar:

NM_199242.3(UNC13D):c.1904C>T (p.Thr635Ile)

Gene: UNC13D (unc-13 homolog D; minus strand). Cytogenetic location: 17q25.1.
Variant type: single nucleotide variant.
Coding change: c.1904C>T on transcript NM_199242.3 (MANE Select); coding-DNA position 1904, C replaced by T.
Protein change: p.Thr635Ile; replaces threonine 635 with isoleucine.
Molecular consequence: missense variant.
Genome position (GRCh38, 1-based): chr17:75,835,008, G>A on the plus strand (C>T on the coding strand, the complement: UNC13D is on the minus strand). VCF-style: chr17-75835008-G-A. GRCh37 (hg19) VCF-style: chr17-73831089-G-A.
Other names: short protein forms T635I.
Identifiers: ClinVar variation 966372 (VCV000966372.8), dbSNP rs2064897469, ClinGen allele CA401091480.

ClinVar aggregate classification (germline): Uncertain significance (1 of 4 stars; one submission).

Conditions:
Familial hemophagocytic lymphohistiocytosis 3 (FHL3). Also called: UNC13D-Related Familial Hemophagocytic Lymphohistiocytosis (UNC13D-fHLH). Identifiers: Orphanet 540, MedGen C1837174, MONDO:0012146, OMIM 608898.

Submission:

Labcorp Genetics (formerly Invitae), Labcorp
Classification: Uncertain significance for Familial hemophagocytic lymphohistiocytosis 3. Last evaluated: 2019-10-15. Review status: criteria provided, single submitter. Criteria: Invitae Variant Classification Sherloc (09022015). Collection method: clinical testing. Allele origin: germline.
Comment: This sequence change replaces threonine with isoleucine at codon 635 of the UNC13D protein (p.Thr635Ile). The threonine residue is moderately conserved and there is a moderate physicochemical difference between threonine and isoleucine. In summary, the available evidence is currently insufficient to determine the role of this variant in disease. Therefore, it has been classified as a Variant of Uncertain Significance. Algorithms developed to predict the effect of missense changes on protein structure and function (SIFT, PolyPhen-2, Align-GVGD) all suggest that this variant is likely to be tolerated, but these predictions have not been confirmed by published functional studies and their clinical significance is uncertain. This variant has not been reported in the literature in individuals with UNC13D-related conditions. This variant is not present in population databases (ExAC no frequency).